The following is an entry in ClinVar:

NM_014975.3(MAST1):c.946G>A (p.Val316Met)

Gene: MAST1 (microtubule associated serine/threonine kinase 1; plus strand). Cytogenetic location: 19p13.13.
Variant type: single nucleotide variant.
Coding change: c.946G>A on transcript NM_014975.3 (MANE Select); coding-DNA position 946, G replaced by A.
Protein change: p.Val316Met; replaces valine 316 with methionine.
Molecular consequence: missense variant.
Genome position (GRCh38, 1-based): chr19:12,852,184, G>A. VCF-style: chr19-12852184-G-A. GRCh37 (hg19) VCF-style: chr19-12962998-G-A.
Other names: short protein forms V316M.
Identifiers: ClinVar variation 4700354 (VCV004700354.1).

ClinVar aggregate classification (germline): Uncertain significance (1 of 4 stars; one submission).

gnomAD v4.1: 9 of 1,613,962 alleles (0.00056%); highest among the groups gnomAD compares: Non-Finnish European, 0.00076%; no homozygotes.

Submission:

Labcorp Genetics (formerly Invitae), Labcorp
Classification: Uncertain significance. Last evaluated: 2025-11-27. Review status: criteria provided, single submitter. Criteria: Invitae Variant Classification Sherloc (09022015). Collection method: clinical testing. Allele origin: germline.
Comment: This sequence change replaces valine, which is neutral and non-polar, with methionine, which is neutral and non-polar, at codon 316 of the MAST1 protein (p.Val316Met). This variant is present in population databases (rs760938333, gnomAD 0.003%). This variant has not been reported in the literature in individuals affected with MAST1-related conditions. An algorithm developed to predict the effect of missense changes on protein structure and function (PolyPhen-2) suggests that this variant is likely to be tolerated. In summary, the available evidence is currently insufficient to determine the role of this variant in disease. Therefore, it has been classified as a Variant of Uncertain Significance.